The following is an entry in ClinVar:

NM_001367624.2(ZNF469):c.9584G>A (p.Arg3195His)

Gene: ZNF469 (zinc finger protein 469; plus strand). Cytogenetic location: 16q24.2.
Variant type: single nucleotide variant.
Coding change: c.9584G>A on transcript NM_001367624.2 (MANE Select); coding-DNA position 9584, G replaced by A.
Protein change: p.Arg3195His; replaces arginine 3195 with histidine.
Molecular consequence: missense variant.
Genome position (GRCh38, 1-based): chr16:88,437,054, G>A. VCF-style: chr16-88437054-G-A. GRCh37 (hg19) VCF-style: chr16-88503462-G-A.
Other names: NM_001127464.1:c.9500G>A; short protein forms R3195H.
Identifiers: ClinVar variation 1314742 (VCV001314742.6), dbSNP rs998090120, ClinGen allele CA286385579.

ClinVar aggregate classification (germline): Uncertain significance. Review status: criteria provided, multiple submitters, no conflicts (2 of 4 stars). 2 submissions from 2 submitters: Uncertain significance (2). Last evaluated 2025-02-15.

Conditions:
Cardiovascular phenotype. Identifiers: MedGen CN230736.

Allele frequency attached by ClinVar (database versions not stated): TOPMed 0.00002.
gnomAD v4.1: 8 of 1,537,674 alleles (0.00052%); highest among the groups gnomAD compares: East Asian, 0.0025%; no homozygotes.

Submissions (2):

Ambry Genetics
Classification: Uncertain significance for Cardiovascular phenotype. Last evaluated: 2025-02-15. Review status: criteria provided, single submitter. Criteria: Ambry Variant Classification Scheme 2023. Collection method: clinical testing. Allele origin: germline.
Comment: The p.R3167H variant (also known as c.9500G>A), located in coding exon 2 of the ZNF469 gene, results from a G to A substitution at nucleotide position 9500. The arginine at codon 3167 is replaced by histidine, an amino acid with highly similar properties. This amino acid position is highly conserved in available vertebrate species. In addition, this alteration is predicted to be tolerated by in silico analysis. Since supporting evidence is limited at this time, the clinical significance of this alteration remains unclear.

GeneDx
Classification: Uncertain significance. Last evaluated: 2021-04-21. Review status: criteria provided, single submitter. Criteria: GeneDx Variant Classification Process June 2021. Collection method: clinical testing. Allele origin: germline. Affected: yes.
Comment: Not observed at a significant frequency in large population cohorts (Lek et al., 2016); In silico analysis supports that this missense variant has a deleterious effect on protein structure/function; Has not been previously published as pathogenic or benign to our knowledge